The following is an entry in ClinVar:

ClinVar aggregate classification (germline): Conflicting classifications of pathogenicity. Review status: criteria provided, conflicting classifications (1 of 4 stars). 5 submissions from 5 submitters: Pathogenic (1); Likely pathogenic (2); Uncertain significance (2). Last evaluated 2026-06-22.

Conditions:
Pendred syndrome (PDS). Also called: Pendred's syndrome; Pendred Syndrome (PDS); THYROID DYSHORMONOGENESIS 2B; THYROID HORMONOGENESIS, GENETIC DEFECT IN, 2B; DEAFNESS WITH GOITER; GOITER-DEAFNESS SYNDROME. Identifiers: Orphanet 705, MedGen C0271829, MONDO:0010134, OMIM 274600.
SLC26A4-related disorder. Also called: SLC26A4-related condition; SLC26A4-related disorders.

Allele frequency attached by ClinVar (database versions not stated): gnomAD 0.00002; ESP Exome Variant Server 0.00008.
gnomAD v4.1: 7 of 1,612,484 alleles (0.00043%); highest among the groups gnomAD compares: African/African-American, 0.0053%; no homozygotes.

Submissions (5):

PreventionGenetics, part of Exact Sciences
Classification: Uncertain significance for SLC26A4-related condition. Last evaluated: 2026-06-22. Review status: criteria provided, single submitter. Criteria: ACMG Guidelines, 2015. Collection method: clinical testing. Allele origin: germline.
Comment: The SLC26A4 c.1001G>A variant is predicted to result in the amino acid substitution p.Gly334Glu. To our knowledge, this variant has not been reported in the literature. An alternative variant (p.Gly334Val) at this amino acid position has been reported as pathogenic (Kahrizi et al. 2009. PubMed ID: 18813951; Cengiz et al. 2017. PubMed ID: 28964290; Abu Rayyan et al. 2020. PubMed ID: 32747562). This variant is reported in 0.011% of alleles in individuals of African descent in gnomAD. At this time, the clinical significance of this variant is uncertain due to the absence of conclusive functional and genetic evidence.

Myriad Genetics, Inc.
Classification: Uncertain significance for Pendred syndrome. Last evaluated: 2025-10-08. Review status: criteria provided, single submitter. Criteria: Myriad Autosomal Dominant, Autosomal Recessive and X-Linked Classification Criteria (2023). Collection method: clinical testing. Allele origin: unknown.
Comment: NM_000441.1(SLC26A4):c.1001G>A(G334E) is a missense variant classified as a variant of uncertain significance in the context of Pendred syndrome. G334E has not been observed in cases with relevant disease. Relevant functional assessments of this variant are not available in the literature. G334E has not been observed in referenced population frequency databases. In summary, there is insufficient evidence to classify NM_000441.1(SLC26A4):c.1001G>A(G334E) as pathogenic or benign. Please note: this variant was assessed in the context of healthy population screening.

Women's Health and Genetics/Laboratory Corporation of America, LabCorp
Classification: Likely pathogenic for Pendred syndrome. Last evaluated: 2025-04-08. Review status: criteria provided, single submitter. Criteria: LabCorp Variant Classification Summary - May 2015. Collection method: clinical testing. Allele origin: germline.
Comment: Variant summary: SLC26A4 c.1001G>A (p.Gly334Glu) results in a non-conservative amino acid change located in the SLC26A/SulP transporter domain (IPR011547) of the encoded protein sequence. Five of five in-silico tools predict a damaging effect of the variant on protein function. Several computational tools predict a significant impact on normal splicing: Three predict the variant weakens a 5' donor site. However, these predictions have yet to be confirmed by functional studies. The variant was absent in 250276 control chromosomes. c.1001G>A has been reported in the literature in two compound heterozygous individuals in a family affected with Pendred Syndrome (Borck_2009). These data indicate that the variant may be associated with disease. To our knowledge, no experimental evidence demonstrating an impact on protein function has been reported. An alternate missense change in this codon, c.1001G>T (p.Gly334Val) has been classified as pathogenic. The following publication have been ascertained in the context of this evaluation (PMID: 19318451). ClinVar contains an entry for this variant (Variation ID: 1457140). Based on the evidence outlined above, the variant was classified as likely pathogenic.

Natera, Inc.
Classification: Likely pathogenic for Pendred syndrome. Last evaluated: 2025-01-31. Review status: criteria provided, single submitter. Criteria: Natera Variant Classification Schema (03/2026). Collection method: clinical testing. Allele origin: germline.
Comment: The c.1001G>A variant in SLC26A4 is a missense variant predicted to cause substitution of glycine to glutamic acid at amino acid 334. This variant is rare in the general population with a frequency below the threshold expected for the associated phenotype(s). This variant has been observed in one or more individuals affected with the associated recessive disease, as either homozygous or compound heterozygous with a second variant (PMID: 11932316). A different variant at the same position has been determined to be Pathogenic or Likely Pathogenic. Computational prediction algorithms indicate this variant is likely to affect gene or protein function. Given the available evidence, this variant is classified as Likely Pathogenic.

Labcorp Genetics (formerly Invitae), Labcorp
Classification: Pathogenic. Last evaluated: 2024-10-17. Review status: criteria provided, single submitter. Criteria: Invitae Variant Classification Sherloc (09022015). Collection method: clinical testing. Allele origin: germline.
Comment: This sequence change replaces glycine, which is neutral and non-polar, with glutamic acid, which is acidic and polar, at codon 334 of the SLC26A4 protein (p.Gly334Glu). This variant also falls at the last nucleotide of exon 8, which is part of the consensus splice site for this exon. This variant is present in population databases (rs146281367, gnomAD 0.01%). This missense change has been observed in individual(s) with Pendred syndrome (PMID: 19318451). In at least one individual the data is consistent with being in trans (on the opposite chromosome) from a pathogenic variant. It has also been observed to segregate with disease in related individuals. ClinVar contains an entry for this variant (Variation ID: 1457140). An algorithm developed to predict the effect of missense changes on protein structure and function (PolyPhen-2) suggests that this variant is likely to be disruptive. Variants that disrupt the consensus splice site are a relatively common cause of aberrant splicing (PMID: 17576681, 9536098). Algorithms developed to predict the effect of sequence changes on RNA splicing suggest that this variant may disrupt the consensus splice site. This variant disrupts the c.1001G nucleotide in the SLC26A4 gene. Other variant(s) that disrupt this nucleotide have been determined to be pathogenic (PMID: 16460646, 18813951, 28964290). This suggests that this nucleotide is clinically significant, and that variants that disrupt this position are likely to be disease-causing. For these reasons, this variant has been classified as Pathogenic.

Literature cited by the submitters: PubMed 19318451 (cited by Women's Health and Genetics/Laboratory Corporation of America, LabCorp and Labcorp Genetics (formerly Invitae), Labcorp); PubMed 11932316 (cited by Natera, Inc.); PubMed 17576681 (cited by Labcorp Genetics (formerly Invitae), Labcorp); PubMed 9536098 (cited by Labcorp Genetics (formerly Invitae), Labcorp); PubMed 16460646 (cited by Labcorp Genetics (formerly Invitae), Labcorp); PubMed 18813951 (cited by Labcorp Genetics (formerly Invitae), Labcorp); PubMed 28964290 (cited by Labcorp Genetics (formerly Invitae), Labcorp).

NM_000441.2(SLC26A4):c.1001G>A (p.Gly334Glu)

Gene: SLC26A4 (solute carrier family 26 member 4; plus strand). Cytogenetic location: 7q22.3.
Variant type: single nucleotide variant.
Coding change: c.1001G>A on transcript NM_000441.2 (MANE Select); coding-DNA position 1001, G replaced by A.
Protein change: p.Gly334Glu; replaces glycine 334 with glutamic acid.
Molecular consequence: missense variant.
Genome position (GRCh38, 1-based): chr7:107,683,537, G>A. VCF-style: chr7-107683537-G-A. GRCh37 (hg19) VCF-style: chr7-107323982-G-A.
Other names: c.1001G>A (NM_000441.1); short protein forms G334E.
Identifiers: ClinVar variation 1457140 (VCV001457140.13), dbSNP rs146281367, ClinGen allele CA164205791.